The following is an entry in ClinVar:

ClinVar aggregate classification (germline): Uncertain significance. Review status: criteria provided, multiple submitters, no conflicts (2 of 4 stars). 2 submissions from 2 submitters: Uncertain significance (2). Last evaluated 2025-07-07.

Conditions:
Cardiovascular phenotype. Identifiers: MedGen CN230736.
Hereditary cancer-predisposing syndrome. Also called: Hereditary neoplastic syndrome; Neoplastic Syndromes, Hereditary; Tumor predisposition; Hereditary Cancer Syndrome. Identifiers: Orphanet 140162, MedGen C0027672, MeSH D009386, MONDO:0015356.
Neurofibromatosis, type 1 (NF1). Also called: Peripheral type neurofibromatosis; Neurofibromatosis, type I; VON RECKLINGHAUSEN DISEASE; NEUROFIBROMATOSIS, TYPE I, SOMATIC. Identifiers: Orphanet 636, MedGen C0027831, MONDO:0018975, OMIM 162200. Disease mechanism: loss of function.

Submissions (2):

Ambry Genetics
Classification: Uncertain significance for Cardiovascular phenotype; Hereditary cancer-predisposing syndrome. Last evaluated: 2025-07-07. Review status: criteria provided, single submitter. Criteria: Ambry Variant Classification Scheme 2023. Collection method: clinical testing. Allele origin: germline.
Comment: The p.R2173K variant (also known as c.6518G>A), located in coding exon 42 of the NF1 gene, results from a G to A substitution at nucleotide position 6518. The arginine at codon 2173 is replaced by lysine, an amino acid with highly similar properties. This amino acid position is conserved. In addition, this alteration is predicted to be tolerated by in silico analysis. Based on the available evidence, the clinical significance of this variant remains unclear.

Labcorp Genetics (formerly Invitae), Labcorp
Classification: Uncertain significance for Neurofibromatosis, type 1. Last evaluated: 2020-10-20. Review status: criteria provided, single submitter. Criteria: Invitae Variant Classification Sherloc (09022015). Collection method: clinical testing. Allele origin: germline.
Comment: This sequence change replaces arginine with lysine at codon 2173 of the NF1 protein (p.Arg2173Lys). The arginine residue is moderately conserved and there is a small physicochemical difference between arginine and lysine. This variant is not present in population databases (ExAC no frequency). This variant has not been reported in the literature in individuals with NF1-related conditions. Algorithms developed to predict the effect of missense changes on protein structure and function are either unavailable or do not agree on the potential impact of this missense change (SIFT: "Tolerated"; PolyPhen-2: "Probably Damaging"; Align-GVGD: "Class C0"). In summary, the available evidence is currently insufficient to determine the role of this variant in disease. Therefore, it has been classified as a Variant of Uncertain Significance.

NM_001042492.3(NF1):c.6581G>A (p.Arg2194Lys)

Gene: NF1 (neurofibromin 1; plus strand). Cytogenetic location: 17q11.2.
Variant type: single nucleotide variant.
Coding change: c.6581G>A on transcript NM_001042492.3 (MANE Select); coding-DNA position 6581, G replaced by A.
Protein change: p.Arg2194Lys; replaces arginine 2194 with lysine.
Molecular consequence: missense variant.
Genome position (GRCh38, 1-based): chr17:31,337,521, G>A. VCF-style: chr17-31337521-G-A. GRCh37 (hg19) VCF-style: chr17-29664539-G-A.
Other names: c.6518G>A, p.Arg2173Lys (NM_000267.4); short protein forms R2173K, R2194K.
Identifiers: ClinVar variation 1026202 (VCV001026202.6), dbSNP rs2069707550, ClinGen allele CA399013325.
Genomic context (GRCh38, chr17:31,337,521, plus strand): 5'-CTGTCATTGCCTTCCGTTCCAGTTACCGGGACAGGTCATTCTCTCCTGGCTCCTATGAGA[G>A]AGAGACTTTTGCTTTGACATCCTTGGAAACAGTCACAGAAGCTTTGTTGGAGATCATGGA-3'
Protein context (NP_001035957.1, residues 2184-2204): DRSFSPGSYE[Arg2194Lys]ETFALTSLET